The following is an entry in ClinVar:

ClinVar aggregate classification (germline): Likely benign (1 of 4 stars; one submission).

Allele frequency attached by ClinVar (database versions not stated): 1000 Genomes Project 0.00120; 1000 Genomes Project 30x 0.00141; ExAC 0.00209; TOPMed 0.00256; gnomAD 0.00259; ESP Exome Variant Server 0.00287; gnomAD exomes 0.00297.

Submission:

CeGaT Center for Human Genetics Tuebingen
Classification: Likely benign. Last evaluated: 2023-02-01. Review status: criteria provided, single submitter. Criteria: CeGaT Center For Human Genetics Tuebingen Variant Classification Criteria Version 2. Collection method: clinical testing. Allele origin: germline. Affected: yes. Observed: 1 variant allele.
Comment: AP2A2: PP2, BS2

NM_012305.4(AP2A2):c.1199A>G (p.Asn400Ser)

Gene: AP2A2 (adaptor related protein complex 2 subunit alpha 2; plus strand). Cytogenetic location: 11p15.5.
Variant type: single nucleotide variant.
Coding change: c.1199A>G on transcript NM_012305.4 (MANE Select); coding-DNA position 1199, A replaced by G.
Protein change: p.Asn400Ser; replaces asparagine 400 with serine.
Molecular consequence: missense variant. On other transcripts: non-coding transcript variant (2).
Genome position (GRCh38, 1-based): chr11:988,619, A>G. VCF-style: chr11-988619-A-G. GRCh37 (hg19) VCF-style: chr11-988619-A-G.
Other names: c.1202A>G, p.Asn401Ser (NM_001242837.2); short protein forms N400S, N401S.
Identifiers: ClinVar variation 2641099 (VCV002641099.24), dbSNP rs144441591, ClinGen allele CA5794004.